The following is an entry in ClinVar:

NM_001164508.2(NEB):c.2216C>A (p.Thr739Asn)

Gene: NEB (nebulin; minus strand). Cytogenetic location: 2q23.3.
Variant type: single nucleotide variant.
Coding change: c.2216C>A on transcript NM_001164508.2 (MANE Select); coding-DNA position 2216, C replaced by A.
Protein change: p.Thr739Asn; replaces threonine 739 with asparagine.
Molecular consequence: missense variant.
Genome position (GRCh38, 1-based): chr2:151,690,821, G>T on the plus strand (C>A on the coding strand, the complement: NEB is on the minus strand). VCF-style: chr2-151690821-G-T. GRCh37 (hg19) VCF-style: chr2-152547335-G-T.
Other names: c.2216C>A, p.Thr739Asn (NM_001164507.2, NM_001271208.2, NM_004543.5); short protein forms T739N.
Identifiers: ClinVar variation 1040954 (VCV001040954.8), dbSNP rs2099542868, ClinGen allele CA348823502.

ClinVar aggregate classification (germline): Uncertain significance (1 of 4 stars; one submission).

Conditions:
Nemaline myopathy 2 (NEM2). Also called: Nemaline myopathy 2, autosomal recessive. Identifiers: MedGen C1850569, MONDO:0009725, OMIM 256030.

Allele frequency attached by ClinVar (database versions not stated): gnomAD exomes below 0.00001.
gnomAD v4.1: 1 of 1,571,228 alleles (0.000064%); highest among the groups gnomAD compares: Non-Finnish European, 0.000087%; no homozygotes.

Submission:

Labcorp Genetics (formerly Invitae), Labcorp
Classification: Uncertain significance for Nemaline myopathy 2. Last evaluated: 2020-06-04. Review status: criteria provided, single submitter. Criteria: Invitae Variant Classification Sherloc (09022015). Collection method: clinical testing. Allele origin: germline.
Comment: This variant is not present in population databases (ExAC no frequency). In summary, the available evidence is currently insufficient to determine the role of this variant in disease. Therefore, it has been classified as a Variant of Uncertain Significance. Algorithms developed to predict the effect of missense changes on protein structure and function are either unavailable or do not agree on the potential impact of this missense change (SIFT: "Deleterious"; PolyPhen-2: "Not Available"; Align-GVGD: "Class C0"). This variant has not been reported in the literature in individuals with NEB-related conditions. This sequence change replaces threonine with asparagine at codon 739 of the NEB protein (p.Thr739Asn). The threonine residue is moderately conserved and there is a small physicochemical difference between threonine and asparagine.